The following is an entry in ClinVar:

NM_003900.5(SQSTM1):c.811G>A (p.Val271Ile)

Gene: SQSTM1 (sequestosome 1; plus strand). Cytogenetic location: 5q35.3.
Variant type: single nucleotide variant.
Coding change: c.811G>A on transcript NM_003900.5 (MANE Select); coding-DNA position 811, G replaced by A.
Protein change: p.Val271Ile; replaces valine 271 with isoleucine.
Molecular consequence: missense variant.
Genome position (GRCh38, 1-based): chr5:179,833,088, G>A. VCF-style: chr5-179833088-G-A. GRCh37 (hg19) VCF-style: chr5-179260088-G-A.
Other names: p.Val271Ile; c.559G>A, p.Val187Ile (NM_001142298.2, NM_001142299.2); short protein forms V271I, V187I.
Identifiers: ClinVar variation 353162 (VCV000353162.15), dbSNP rs376283809, ClinGen allele CA3600695.

ClinVar aggregate classification (germline): Uncertain significance. Review status: criteria provided, multiple submitters, no conflicts (2 of 4 stars). 4 submissions from 4 submitters: Uncertain significance (3). 1 of the submissions does not count toward it. Last evaluated 2025-09-23.

Conditions:
Frontotemporal dementia and/or amyotrophic lateral sclerosis 1 (FTDALS1). Also called: C9orf72 Frontotemporal Dementia and/or Amyotrophic Lateral Sclerosis; Frontotemporal dementia with motor neuron disease 1. Identifiers: Orphanet 275872, MedGen C5779877, MONDO:0007105, OMIM 105550.
Paget disease of bone 2, early-onset (PDB2). Also called: Paget disease of bone 2. Identifiers: MedGen C4085251, MONDO:0011183, OMIM 602080.
Paget disease of bone 3. Identifiers: MedGen C4085252, MONDO:0008176, OMIM 167250.
SQSTM1-related disorder. Also called: SQSTM1-Related Disorders.

Allele frequency attached by ClinVar (database versions not stated): gnomAD exomes 0.00004; TOPMed 0.00005; ExAC 0.00006; gnomAD 0.00006; ESP Exome Variant Server 0.00015.
gnomAD v4.1: 107 of 1,614,084 alleles (0.0066%); highest among the groups gnomAD compares: Middle Eastern, 0.016%; no homozygotes.

Submissions (4):

Labcorp Genetics (formerly Invitae), Labcorp
Classification: Uncertain significance for Paget disease of bone 2, early-onset; Frontotemporal dementia and/or amyotrophic lateral sclerosis 1. Last evaluated: 2025-09-23. Review status: criteria provided, single submitter. Criteria: Invitae Variant Classification Sherloc (09022015). Collection method: clinical testing. Allele origin: germline.
Comment: This sequence change replaces valine, which is neutral and non-polar, with isoleucine, which is neutral and non-polar, at codon 271 of the SQSTM1 protein (p.Val271Ile). This variant is present in population databases (rs376283809, gnomAD 0.01%). This missense change has been observed in individual(s) with SQSTM1-related conditions (PMID: 25796131). ClinVar contains an entry for this variant (Variation ID: 353162). Invitae Evidence Modeling of protein sequence and biophysical properties (such as structural, functional, and spatial information, amino acid conservation, physicochemical variation, residue mobility, and thermodynamic stability) indicates that this missense variant is not expected to disrupt SQSTM1 protein function with a negative predictive value of 80%. In summary, the available evidence is currently insufficient to determine the role of this variant in disease. Therefore, it has been classified as a Variant of Uncertain Significance.

Mayo Clinic Laboratories, Mayo Clinic
Classification: Uncertain significance. Last evaluated: 2024-08-09. Review status: criteria provided, single submitter. Criteria: ACMG Guidelines, 2015. Collection method: clinical testing. Allele origin: germline. Observed: 1 variant allele.
Comment: BP4

Illumina Laboratory Services, Illumina
Classification: Uncertain significance for Paget disease of bone 3. Last evaluated: 2018-01-13. Review status: criteria provided, single submitter. Criteria: ICSL Variant Classification Criteria 13 December 2019. Collection method: clinical testing. Allele origin: germline.

PreventionGenetics, part of Exact Sciences
Classification: Uncertain significance for SQSTM1-related condition. Last evaluated: 2024-08-19. Review status: no assertion criteria provided. Collection method: clinical testing. Allele origin: germline. Not counted in ClinVar's aggregate classification.
Comment: The SQSTM1 c.811G>A variant is predicted to result in the amino acid substitution p.Val271Ile. To our knowledge, this variant has not been reported in the literature. This variant is reported in 0.012% of alleles in individuals of African descent in gnomAD. At this time, the clinical significance of this variant is uncertain due to the absence of conclusive functional and genetic evidence.

Literature cited by the submitters: PubMed 25796131 (cited by Labcorp Genetics (formerly Invitae), Labcorp and Mayo Clinic Laboratories, Mayo Clinic).